The following is an entry in ClinVar:

NM_017534.6(MYH2):c.4084G>A (p.Glu1362Lys)

Genes: MYHAS (myosin heavy chain gene cluster antisense RNA; plus strand), MYH2 (myosin heavy chain 2; minus strand). Cytogenetic location: 17p13.1.
Variant type: single nucleotide variant.
Coding change: c.4084G>A on transcript NM_017534.6 (MANE Select); coding-DNA position 4084, G replaced by A.
Protein change: p.Glu1362Lys; replaces glutamic acid 1362 with lysine.
Molecular consequence: missense variant.
Genome position (GRCh38, 1-based): chr17:10,526,702, C>T on the plus strand (G>A on the coding strand, the complement: MYH2 is on the minus strand). VCF-style: chr17-10526702-C-T. GRCh37 (hg19) VCF-style: chr17-10430019-C-T.
Other names: c.4084G>A, p.Glu1362Lys (NM_001100112.2); short protein forms E1362K.
Identifiers: ClinVar variation 642251 (VCV000642251.8), dbSNP rs772043473, ClinGen allele CA8390733.

ClinVar aggregate classification (germline): Uncertain significance (1 of 4 stars; one submission).

Conditions:
Myopathy, proximal, and ophthalmoplegia (CMYO6). Also called: CONGENITAL MYOPATHY 6 WITH OPHTHALMOPLEGIA; INCLUSION BODY MYOPATHY 3, AUTOSOMAL DOMINANT; MYOPATHY WITH CONGENITAL JOINT CONTRACTURES, OPHTHALMOPLEGIA, AND RIMMED VACUOLES. Identifiers: Orphanet 363677, Orphanet 79091, MedGen C1854106, MONDO:0011577, OMIM 605637.

Allele frequency attached by ClinVar (database versions not stated): ExAC 0.00001; gnomAD exomes 0.00001.
gnomAD v4.1: 16 of 1,614,156 alleles (0.00099%); highest among the groups gnomAD compares: Middle Eastern, 0.017%; no homozygotes.

Submission:

Labcorp Genetics (formerly Invitae), Labcorp
Classification: Uncertain significance for Myopathy, proximal, and ophthalmoplegia. Last evaluated: 2025-07-09. Review status: criteria provided, single submitter. Criteria: Invitae Variant Classification Sherloc (09022015). Collection method: clinical testing. Allele origin: germline.
Comment: This sequence change replaces glutamic acid, which is acidic and polar, with lysine, which is basic and polar, at codon 1362 of the MYH2 protein (p.Glu1362Lys). This variant is present in population databases (rs772043473, gnomAD 0.003%). This variant has not been reported in the literature in individuals affected with MYH2-related conditions. ClinVar contains an entry for this variant (Variation ID: 642251). Invitae Evidence Modeling of protein sequence and biophysical properties (such as structural, functional, and spatial information, amino acid conservation, physicochemical variation, residue mobility, and thermodynamic stability) indicates that this missense variant is not expected to disrupt MYH2 protein function with a negative predictive value of 80%. In summary, the available evidence is currently insufficient to determine the role of this variant in disease. Therefore, it has been classified as a Variant of Uncertain Significance.